The following is an entry in ClinVar:

ClinVar aggregate classification (germline): Uncertain significance (1 of 4 stars; one submission).

Submission:

CeGaT Center for Human Genetics Tuebingen
Classification: Uncertain significance. Last evaluated: 2025-10-01. Review status: criteria provided, single submitter. Criteria: CeGaT Center For Human Genetics Tuebingen Variant Classification Criteria Version 2. Collection method: clinical testing. Allele origin: germline. Affected: yes. Observed: 1 variant allele.
Comment: MED12L: PM2, BP4

NM_001393769.1(MED12L):c.6300G>C (p.Met2100Ile)

Gene: MED12L (mediator complex subunit 12L; plus strand). Cytogenetic location: 3q25.1.
Variant type: single nucleotide variant.
Coding change: c.6300G>C on transcript NM_001393769.1 (MANE Select); coding-DNA position 6300, G replaced by C.
Protein change: p.Met2100Ile; replaces methionine 2100 with isoleucine.
Molecular consequence: missense variant.
Genome position (GRCh38, 1-based): chr3:151,416,314, G>C. VCF-style: chr3-151416314-G-C. GRCh37 (hg19) VCF-style: chr3-151134102-G-C.
Other names: c.6195G>C, p.Met2065Ile (NM_053002.6); short protein forms M2065I, M2100I.
Identifiers: ClinVar variation 4534979 (VCV004534979.6).
Genomic context (GRCh38, chr3:151,416,314, plus strand): 5'-TCAGCAATGCTGTTTTCTTCTTCCTTTTAAGTGTATAACATTTTTACCCTCTTTCCAGAT[G>C]CAGCAGCCCCAGCAGCCCCAGCCCCAGCAGCCTCCCCAGCCCCAGCAGTCCTCGCAGTCC-3'
Protein context (NP_001380698.1, residues 2090-2110): QVRQQQRLLQ[Met2100Ile]QQPQQPQPQQ